The following is an entry in ClinVar:

ClinVar aggregate classification (germline): Conflicting classifications of pathogenicity. Review status: criteria provided, conflicting classifications (1 of 4 stars). 2 submissions from 2 submitters: Likely pathogenic (1); Uncertain significance (1). Last evaluated 2026-08-12.

Conditions:
Hereditary cancer-predisposing syndrome. Also called: Tumor predisposition; Hereditary neoplastic syndrome; Neoplastic Syndromes, Hereditary; Hereditary Cancer Syndrome. Identifiers: Orphanet 140162, MedGen C0027672, MeSH D009386, MONDO:0015356.

Submissions (3):

Ambry Genetics
Classification: Likely pathogenic for Hereditary cancer-predisposing syndrome. Last evaluated: 2026-08-12. Review status: criteria provided, single submitter. Criteria: Ambry Variant Classification Scheme 2023. Collection method: clinical testing. Allele origin: germline.
Comment: The p.G1738A variant (also known as c.5213G>C), located in coding exon 18 of the BRCA1 gene, results from a G to C substitution at nucleotide position 5213. The glycine at codon 1738 is replaced by alanine, an amino acid with similar properties. One functional study found that this nucleotide substitution is non-functional in a high throughput genome editing haploid cell survival assay (Findlay GM et al. Nature, 2018 Oct;562:217-222). Based on internal structural analysis, this variant is anticipated to result in a significant decrease in structural stability (Ambry internal data). This amino acid position is highly conserved in available vertebrate species. In addition, this alteration is predicted to be deleterious by in silico analysis. This variant is considered to be rare based on population cohorts in the Genome Aggregation Database (gnomAD). Based on the majority of available evidence to date, this variant is likely to be pathogenic.

Color Diagnostics, LLC DBA Color Health
Classification: Uncertain significance for Hereditary cancer-predisposing syndrome. Last evaluated: 2022-02-22. Review status: criteria provided, single submitter. Criteria: ACMG Guidelines, 2015. Collection method: clinical testing. Allele origin: germline.
Comment: This missense variant replaces glycine with alanine at codon 1738 in the BRCT domain of the BRCA1 protein. Computational prediction is inconclusive regarding the impact of this variant on protein structure and function (internally defined REVEL score threshold 0.5 < inconclusive < 0.7, PMID: 27666373). This variant has been reported to be loss-of-function in a haploid cell proliferation assay (PMID: 30209399). To our knowledge, this variant has not been reported in individuals affected with hereditary cancer in the literature. This variant has not been identified in the general population by the Genome Aggregation Database (gnomAD). Different variants affecting the same codon, p.Gly1738Arg, p.Gly1738Glu and p.Gly1738Val, are considered to be disease-causing (ClinVar variation ID: 865165, 55461, 55462, 845528) with functional evidence for defective BRCA1 activities (PMID: 20516115, 30209399). In particular, p.Gly1738Arg variant is considered a founder mutation in the Greek population (PMID: 17902052, 24010542), and p.Gly1738Glu has been shown to segregate with disease in a family study (PMID: 23113073). Although there is a suspicion that this p.Gly1738Ala variant may be associated with disease, additional clinical and functional studies are necessary to determine the role of this variant in disease conclusively. Therefore, this variant is classified as a Variant of Uncertain Significance.

Brotman Baty Institute, University of Washington
No classification provided (evidence only). Condition: Breast-ovarian cancer, familial 1. Review status: no classification provided. Collection method: in vitro. Allele origin: not applicable. Functional consequence: functionally_abnormal. Not counted in ClinVar's aggregate classification.
ClinVar note: "not provided" was previously submitted as the classification for the variant. However, the classification appeared to be based only on an observation of functional data so it was converted to no classification on 2025-07-30.

Literature cited by the submitters: PubMed 30209399 (cited by Ambry Genetics and Color Diagnostics, LLC DBA Color Health); PubMed 17902052 (cited by Color Diagnostics, LLC DBA Color Health); PubMed 20516115 (cited by Color Diagnostics, LLC DBA Color Health); PubMed 23113073 (cited by Color Diagnostics, LLC DBA Color Health); PubMed 24010542 (cited by Color Diagnostics, LLC DBA Color Health).

NM_007294.4(BRCA1):c.5213G>C (p.Gly1738Ala)

Gene: BRCA1 (BRCA1 DNA repair associated; minus strand). Cytogenetic location: 17q21.31.
Variant type: single nucleotide variant.
Coding change: c.5213G>C on transcript NM_007294.4 (MANE Select); coding-DNA position 5213, G replaced by C.
Protein change: p.Gly1738Ala; replaces glycine 1738 with alanine.
Molecular consequence: missense variant. On other transcripts: non-coding transcript variant (1).
Genome position (GRCh38, 1-based): chr17:43,057,116, C>G on the plus strand (G>C on the coding strand, the complement: BRCA1 is on the minus strand). VCF-style: chr17-43057116-C-G. GRCh37 (hg19) VCF-style: chr17-41209133-C-G.
Other names: c.5000G>C, p.Gly1667Ala (NM_001407571.1, NM_001407900.1, NM_001407902.1 and 12 more transcripts); c.5279G>C, p.Gly1760Ala (NM_001407581.1, NM_001407582.1); c.5276G>C, p.Gly1759Ala (NM_001407583.1, NM_001407585.1, NM_001407587.1 and 1 more transcripts); c.5273G>C, p.Gly1758Ala (NM_001407590.1, NM_001407591.1); c.5213G>C, p.Gly1738Ala (NM_001407593.1, NM_001407594.1, NM_001407596.1 and 7 more transcripts); c.5210G>C, p.Gly1737Ala (NM_001407610.1, NM_001407611.1, NM_001407612.1 and 17 more transcripts); c.5207G>C, p.Gly1736Ala (NM_001407629.1, NM_001407630.1, NM_001407631.1 and 14 more transcripts); c.5153G>C, p.Gly1718Ala (NM_001407649.1); and 72 more; short protein forms G1691A, G1738A, G1759A, G634A, G547A, G564A, G588A, G593A.
Identifiers: ClinVar variation 865166 (VCV000865166.6), dbSNP rs80357450, ClinGen allele CA10591113.